The following is an entry in ClinVar:

NM_005618.4(DLL1):c.953C>G (p.Pro318Arg)

Gene: DLL1 (delta like canonical Notch ligand 1; minus strand). Cytogenetic location: 6q27.
Variant type: single nucleotide variant.
Coding change: c.953C>G on transcript NM_005618.4 (MANE Select); coding-DNA position 953, C replaced by G.
Protein change: p.Pro318Arg; replaces proline 318 with arginine.
Molecular consequence: missense variant.
Genome position (GRCh38, 1-based): chr6:170,285,333, G>C on the plus strand (C>G on the coding strand, the complement: DLL1 is on the minus strand). VCF-style: chr6-170285333-G-C. GRCh37 (hg19) VCF-style: chr6-170594421-G-C.
Other names: short protein forms P318R.
Identifiers: ClinVar variation 4884933 (VCV004884933.2).

ClinVar aggregate classification (germline): Uncertain significance (1 of 4 stars; one submission).

gnomAD v4.1: 1 of 1,614,204 alleles (0.000062%); highest among the groups gnomAD compares: Non-Finnish European, 0.000085%; no homozygotes.

Submission:

Dasa
Classification: Uncertain significance. Last evaluated: 2025-09-26. Review status: criteria provided, single submitter. Criteria: DASA Assertion Criteria. Collection method: clinical testing. Allele origin: germline.
Comment: NM_005618.4(DLL1):c.953C>G (p.Pro318Arg) is a missense variant that results in the substitution of proline with arginine. This variant is rare in population databases. Computational prediction algorithms are consistent with a deleterious effect. The currently available literature and clinical evidence are not sufficient to establish a definitive association between this variant and the reported condition. Therefore, this variant is classified as a variant of uncertain significance.